The following is an entry in ClinVar:

NM_170665.4(ATP2A2):c.1287+3A>G

Gene: ATP2A2 (ATPase sarcoplasmic/endoplasmic reticulum Ca2+ transporting 2; plus strand). Cytogenetic location: 12q24.11.
Variant type: single nucleotide variant.
Coding change: c.1287+3A>G on transcript NM_170665.4 (MANE Select); 3 bases into the intron after coding-DNA position 1287, A replaced by G.
Molecular consequence: intron variant.
Genome position (GRCh38, 1-based): chr12:110,333,286, A>G. VCF-style: chr12-110333286-A-G. GRCh37 (hg19) VCF-style: chr12-110771091-A-G.
Other names: c.1287+3A>G (NM_001681.4).
Identifiers: ClinVar variation 804551 (VCV000804551.8), dbSNP rs376753206, ClinGen allele CA6783859.

ClinVar aggregate classification (germline): Benign. Review status: criteria provided, multiple submitters, no conflicts (2 of 4 stars). 5 submissions from 4 submitters: Benign (4). 1 of the submissions does not count toward it. Last evaluated 2021-12-05.

Conditions:
ATP2A2-related disorder. Also called: ATP2A2-Related Disorders; ATP2A2-related condition.
Keratosis follicularis (DAR). Also called: Darier disease; Darier's disease. Identifiers: Orphanet 218, MedGen C0022595, MONDO:0007417, OMIM 124200.
Acrokeratosis verruciformis of Hopf (AKV). Also called: HOPF DISEASE; Acrokeratosis verruciformis. Identifiers: Orphanet 79151, MedGen C0265971, MONDO:0007048, OMIM 101900.

Allele frequency attached by ClinVar (database versions not stated): gnomAD 0.00016 and 0.00017; TOPMed 0.00017; ExAC 0.00029; ESP Exome Variant Server 0.00031.
gnomAD v4.1: 441 of 1,603,880 alleles (0.027%); highest among the groups gnomAD compares: Non-Finnish European, 0.034%; 1 homozygote.

Submissions (5):

Genome-Nilou Lab
Classification: Benign for Acrokeratosis verruciformis of Hopf. Last evaluated: 2021-12-05. Review status: criteria provided, single submitter. Criteria: ACMG Guidelines, 2015. Collection method: clinical testing. Allele origin: germline. Affected: no.

Genome-Nilou Lab
Classification: Benign for Keratosis follicularis. Last evaluated: 2021-12-05. Review status: criteria provided, single submitter. Criteria: ACMG Guidelines, 2015. Collection method: clinical testing. Allele origin: germline. Affected: no.

Athena Diagnostics
Classification: Benign. Last evaluated: 2018-11-01. Review status: criteria provided, single submitter. Criteria: Athena Diagnostics Criteria. Collection method: clinical testing. Allele origin: germline.

Illumina Laboratory Services, Illumina
Classification: Benign for Keratosis follicularis. Last evaluated: 2018-01-13. Review status: criteria provided, single submitter. Criteria: ICSL Variant Classification Criteria 13 December 2019. Collection method: clinical testing. Allele origin: germline.
Comment: This variant was observed in the ICSL laboratory as part of a predisposition screen in an ostensibly healthy population. It had not been previously curated by ICSL or reported in the Human Gene Mutation Database (HGMD: prior to June 1st, 2018), and was therefore a candidate for classification through an automated scoring system. Utilizing variant allele frequency, disease prevalence and penetrance estimates, and inheritance mode, an automated score was calculated to assess if this variant is too frequent to cause the disease. Based on the score and internal cut-off values, a variant classified as benign is not then subjected to further curation. The score for this variant resulted in a classification of benign for this disease.

PreventionGenetics, part of Exact Sciences
Classification: Likely benign for ATP2A2-related condition. Last evaluated: 2020-02-18. Review status: no assertion criteria provided. Collection method: clinical testing. Allele origin: germline. Not counted in ClinVar's aggregate classification.
Comment: This variant is classified as likely benign based on ACMG/AMP sequence variant interpretation guidelines (Richards et al. 2015 PMID: 25741868, with internal and published modifications).